The following is an entry in ClinVar:

ClinVar aggregate classification (germline): Uncertain significance (1 of 4 stars; one submission).

Allele frequency attached by ClinVar (database versions not stated): TOPMed below 0.00001.

Submission:

Labcorp Genetics (formerly Invitae), Labcorp
Classification: Uncertain significance. Last evaluated: 2022-04-01. Review status: criteria provided, single submitter. Criteria: Invitae Variant Classification Sherloc (09022015). Collection method: clinical testing. Allele origin: germline.
Comment: In summary, the available evidence is currently insufficient to determine the role of this variant in disease. Therefore, it has been classified as a Variant of Uncertain Significance. Algorithms developed to predict the effect of missense changes on protein structure and function (SIFT, PolyPhen-2, Align-GVGD) all suggest that this variant is likely to be tolerated. This variant has not been reported in the literature in individuals affected with APC2-related conditions. This variant is not present in population databases (gnomAD no frequency). This sequence change replaces alanine, which is neutral and non-polar, with valine, which is neutral and non-polar, at codon 704 of the APC2 protein (p.Ala704Val).

NM_005883.3(APC2):c.2111C>T (p.Ala704Val)

Gene: APC2 (APC regulator of Wnt signaling pathway 2; plus strand). Cytogenetic location: 19p13.3.
Variant type: single nucleotide variant.
Coding change: c.2111C>T on transcript NM_005883.3 (MANE Select); coding-DNA position 2111, C replaced by T.
Protein change: p.Ala704Val; replaces alanine 704 with valine.
Molecular consequence: missense variant.
Genome position (GRCh38, 1-based): chr19:1,465,412, C>T. VCF-style: chr19-1465412-C-T. GRCh37 (hg19) VCF-style: chr19-1465411-C-T.
Other names: c.2108C>T, p.Ala703Val (NM_001351273.1); short protein forms A703V, A704V.
Identifiers: ClinVar variation 2120670 (VCV002120670.4), dbSNP rs2083991537, ClinGen allele CA403024943.
Genomic context (GRCh38, chr19:1,465,412, plus strand): 5'-CCATGGGCAGCGCCGCCGCCCTGCGCAACCTGCTGGCCCATCGGCCCGCCAAGCACCAGG[C>T]GGCCGCCACCGCCGTGTCCCCAGGCAGCTGCGTGCCCAGCCTGTACGTGCGCAAGCAGCG-3'
Protein context (NP_005874.1, residues 694-714): LLAHRPAKHQ[Ala704Val]AATAVSPGSC